The following is an entry in ClinVar:

ClinVar aggregate classification (germline): Benign/Likely benign. Review status: criteria provided, multiple submitters, no conflicts (2 of 4 stars). 3 submissions from 3 submitters: Benign (1); Likely benign (2). Last evaluated 2026-08-17.

Conditions:
Hereditary cancer-predisposing syndrome. Also called: Hereditary neoplastic syndrome; Neoplastic Syndromes, Hereditary; Tumor predisposition; Hereditary Cancer Syndrome. Identifiers: Orphanet 140162, MedGen C0027672, MeSH D009386, MONDO:0015356.
DICER1-related tumor predisposition. Also called: DICER1-related pleuropulmonary blastoma cancer predisposition syndrome; DICER1 syndrome. Identifiers: Orphanet 284343, MedGen C3839822, MONDO:0100216.

Submissions (3):

Myriad Genetics, Inc.
Classification: Benign for DICER1-related tumor predisposition. Last evaluated: 2026-08-17. Review status: criteria provided, single submitter. Criteria: Myriad Autosomal Dominant, Autosomal Recessive and X-Linked Classification Criteria (2023). Collection method: clinical testing. Allele origin: unknown.
Comment: This variant is considered benign. This variant is a silent/synonymous amino acid change and it is not expected to impact splicing.

Labcorp Genetics (formerly Invitae), Labcorp
Classification: Likely benign for DICER1-related tumor predisposition. Last evaluated: 2025-11-01. Review status: criteria provided, single submitter. Criteria: Invitae Variant Classification Sherloc (09022015). Collection method: clinical testing. Allele origin: germline.

Ambry Genetics
Classification: Likely benign for Hereditary cancer-predisposing syndrome. Last evaluated: 2019-11-18. Review status: criteria provided, single submitter. Criteria: Ambry Variant Classification Scheme 2023. Collection method: clinical testing. Allele origin: germline.

NM_177438.3(DICER1):c.2622A>G (p.Ser874=)

Gene: DICER1 (dicer 1, ribonuclease III; minus strand). Cytogenetic location: 14q32.13.
Variant type: single nucleotide variant.
Coding change: c.2622A>G on transcript NM_177438.3 (MANE Select); coding-DNA position 2622, A replaced by G.
Protein change: p.Ser874=; no amino-acid change (serine 874 retained).
Molecular consequence: synonymous variant. On other transcripts: non-coding transcript variant (6).
Genome position (GRCh38, 1-based): chr14:95,107,908, T>C on the plus strand (A>G on the coding strand, the complement: DICER1 is on the minus strand). VCF-style: chr14-95107908-T-C. GRCh37 (hg19) VCF-style: chr14-95574245-T-C.
Other names: c.2622A>G, p.Ser874= (NM_001195573.1, NM_001271282.3, NM_001291628.2 and 13 more transcripts); c.2340A>G, p.Ser780= (NM_001395686.1); c.2217A>G, p.Ser739= (NM_001395687.1, NM_001395688.1, NM_001395689.1 and 2 more transcripts); c.2055A>G, p.Ser685= (NM_001395691.1); c.939A>G, p.Ser313= (NM_001395697.1).
Identifiers: ClinVar variation 1793961 (VCV001793961.6), dbSNP rs2542838229, ClinGen allele CA487844758.
Genomic context (GRCh38, chr14:95,107,908, plus strand): 5'-AGAGTTATCAAAGTAAGAGATTTTTTTCTTACCAACATTAAGAGGTAGAACACAGTATGC[T>C]GAATCAGCGTCTGTAGGTTTAAATTCTAGTGCAGGTTTTTCAAGCCGAAGAATATGTGAG-3'
Protein context (NP_803187.1, residues 864-884): ALEFKPTDAD[Ser874=]AYCVLPLNVV